The following is an entry in ClinVar:

NM_002474.3(MYH11):c.3933G>A (p.Ala1311=)

Genes: MYH11 (myosin heavy chain 11; minus strand), NDE1 (nudE neurodevelopment protein 1; plus strand). Cytogenetic location: 16p13.11.
Variant type: single nucleotide variant.
Coding change: c.3933G>A on transcript NM_002474.3 (MANE Select); coding-DNA position 3933, G replaced by A.
Protein change: p.Ala1311=; no amino-acid change (alanine 1311 retained).
Molecular consequence: synonymous variant. On other transcripts: 3 prime UTR variant (2).
Genome position (GRCh38, 1-based): chr16:15,724,918, C>T on the plus strand (G>A on the coding strand, the complement: MYH11 is on the minus strand). VCF-style: chr16-15724918-C-T. GRCh37 (hg19) VCF-style: chr16-15818775-C-T.
Other names: c.3954G>A, p.Ala1318= (NM_001040113.2, NM_001040114.2); c.3933G>A, p.Ala1311= (NM_022844.3); c.*667C>T (NM_001143979.2, NM_017668.3).
Identifiers: ClinVar variation 508179 (VCV000508179.25), dbSNP rs78857360, ClinGen allele CA7921834.
Genomic context (GRCh38, chr16:15,724,918, plus strand): 5'-GTCCCCTGGATGATGTGGCAGGACACTCACCTGGGTGTCCTGGAGCTGGGAACTGAGGGA[C>T]GCCACGTCCTTGGCCAGCTTAATGGCCTTCCCCTCGGCCTCGTTAAGCATCCCTGTGACG-3'
Protein context (NP_002465.1, residues 1301-1321): GKAIKLAKDV[Ala1311=]SLSSQLQDTQ

ClinVar aggregate classification (germline): Likely benign. Review status: criteria provided, multiple submitters, no conflicts (2 of 4 stars). 7 submissions from 7 submitters: Likely benign (7). Last evaluated 2026-04-01.

Conditions:
Aortic aneurysm, familial thoracic 4 (AAT4). Also called: AORTIC ANEURYSM/AORTIC DISSECTION AND PATENT DUCTUS ARTERIOSUS. Identifiers: MedGen C1851504, MONDO:0007568, OMIM 132900.
Familial thoracic aortic aneurysm and aortic dissection (TAAD). Also called: Thoracic aortic aneurysms and dissections. Identifiers: Orphanet 91387, MedGen C4707243, MONDO:0019625.

Allele frequency attached by ClinVar (database versions not stated): gnomAD 0.00001 and 0.00002; TOPMed 0.00001; ExAC 0.00004; gnomAD exomes 0.00005; 1000 Genomes Project 30x 0.00016; 1000 Genomes Project 0.00020.
gnomAD v4.1: 38 of 1,614,132 alleles (0.0024%); highest among the groups gnomAD compares: Admixed American, 0.012%; no homozygotes.

Submissions (7):

CeGaT Center for Human Genetics Tuebingen
Classification: Likely benign. Last evaluated: 2026-04-01. Review status: criteria provided, single submitter. Criteria: CeGaT Center For Human Genetics Tuebingen Variant Classification Criteria Version 2. Collection method: clinical testing. Allele origin: germline. Affected: yes. Observed: 2 variant alleles.
Comment: MYH11: BP4, BP7

Labcorp Genetics (formerly Invitae), Labcorp
Classification: Likely benign for Aortic aneurysm, familial thoracic 4. Last evaluated: 2025-07-23. Review status: criteria provided, single submitter. Criteria: Invitae Variant Classification Sherloc (09022015). Collection method: clinical testing. Allele origin: germline.

Blueprint Genetics
Classification: Likely benign. Last evaluated: 2024-04-15. Review status: criteria provided, single submitter. Criteria: ACMG Guidelines, 2015. Collection method: clinical testing. Allele origin: germline.

All of Us Research Program, National Institutes of Health
Classification: Likely benign for Familial thoracic aortic aneurysm and aortic dissection. Last evaluated: 2023-11-30. Review status: criteria provided, single submitter. Criteria: ACMG Guidelines, 2015. Collection method: clinical testing. Allele origin: germline. Inheritance: Autosomal dominant inheritance. Observed: 8 variant alleles, 8 heterozygotes.
Comment: This study involves interpretation of variants in research participants for the purpose of population health screening. Participant phenotype was not available at the time of variant classification. Additional details can be found in publication PMID: 35346344, PMCID: PMC8962531

Ambry Genetics
Classification: Likely benign for Familial thoracic aortic aneurysm and aortic dissection. Last evaluated: 2023-05-01. Review status: criteria provided, single submitter. Criteria: Ambry Variant Classification Scheme 2023. Collection method: clinical testing. Allele origin: germline.

GeneDx
Classification: Likely benign. Last evaluated: 2020-02-17. Review status: criteria provided, single submitter. Criteria: GeneDx Variant Classification Process June 2021. Collection method: clinical testing. Allele origin: germline. Affected: yes.

Color Diagnostics, LLC DBA Color Health
Classification: Likely benign for Familial thoracic aortic aneurysm and aortic dissection. Last evaluated: 2018-11-25. Review status: criteria provided, single submitter. Criteria: ACMG Guidelines, 2015. Collection method: clinical testing. Allele origin: germline.